The following is an entry in ClinVar:

ClinVar aggregate classification (germline): Uncertain significance (1 of 4 stars; one submission).

Conditions:
Hereditary cancer-predisposing syndrome. Also called: Neoplastic Syndromes, Hereditary; Tumor predisposition; Hereditary Cancer Syndrome; Hereditary neoplastic syndrome. Identifiers: Orphanet 140162, MedGen C0027672, MeSH D009386, MONDO:0015356.

Submission:

Ambry Genetics
Classification: Uncertain significance for Hereditary cancer-predisposing syndrome. Last evaluated: 2026-04-25. Review status: criteria provided, single submitter. Criteria: Ambry Variant Classification Scheme 2023. Collection method: clinical testing. Allele origin: germline.
Comment: The p.P131A variant (also known as c.391C>G), located in coding exon 4 of the SDHB gene, results from a C to G substitution at nucleotide position 391. The proline at codon 131 is replaced by alanine, an amino acid with highly similar properties. This amino acid position is conserved. In addition, this alteration is predicted to be deleterious by in silico analysis. Based on the available evidence, the clinical significance of this variant remains unclear.

NM_003000.3(SDHB):c.391C>G (p.Pro131Ala)

Gene: SDHB (succinate dehydrogenase complex iron sulfur subunit B; minus strand). Cytogenetic location: 1p36.13.
Variant type: single nucleotide variant.
Coding change: c.391C>G on transcript NM_003000.3 (MANE Select); coding-DNA position 391, C replaced by G.
Protein change: p.Pro131Ala; replaces proline 131 with alanine.
Molecular consequence: missense variant. On other transcripts: intron variant (1).
Genome position (GRCh38, 1-based): chr1:17,028,632, G>C on the plus strand (C>G on the coding strand, the complement: SDHB is on the minus strand). VCF-style: chr1-17028632-G-C. GRCh37 (hg19) VCF-style: chr1-17355127-G-C.
Other names: c.369+22C>G (NM_001407361.1); short protein forms P131A.
Identifiers: ClinVar variation 4864253 (VCV004864253.1).
Genomic context (GRCh38, chr1:17,028,632, plus strand): 5'-ACAAAACCAGAGAGATGCAGAAACTCACGGGAACAAGATCCTTTATCACATACATGTGTG[G>C]AAGAGGGTAGATTTTTGAGACCTTATTGAGGTTGGTGTCAATCCTTCGGGTGCAAGCTAG-3'
Protein context (NP_002991.2, residues 121-141): LNKVSKIYPL[Pro131Ala]HMYVIKDLVP